The following is an entry in ClinVar:

NM_000038.6(APC):c.1005A>G (p.Leu335=)

Gene: APC (APC regulator of Wnt signaling pathway; plus strand). Cytogenetic location: 5q22.2.
Variant type: single nucleotide variant.
Coding change: c.1005A>G on transcript NM_000038.6 (MANE Select); coding-DNA position 1005, A replaced by G.
Protein change: p.Leu335=; no amino-acid change (leucine 335 retained).
Molecular consequence: synonymous variant. On other transcripts: intron variant (4).
Genome position (GRCh38, 1-based): chr5:112,819,037, A>G. VCF-style: chr5-112819037-A-G. GRCh37 (hg19) VCF-style: chr5-112154734-A-G.
Other names: c.1005A>G, p.Leu335= (NM_001127510.3, NM_001354895.2, NM_001354896.2); c.951A>G, p.Leu317= (NM_001127511.3); c.1035A>G, p.Leu345= (NM_001354897.2); c.930A>G, p.Leu310= (NM_001354898.2); c.921A>G, p.Leu307= (NM_001354899.2); c.828A>G, p.Leu276= (NM_001354900.2, NM_001354901.2); c.156A>G, p.Leu52= (NM_001354906.2); c.964-232A>G (NM_001354902.2); and 3 more.
Identifiers: ClinVar variation 92339 (VCV000092339.42), dbSNP rs3797704, ClinGen allele CA004030.

ClinVar aggregate classification (germline): Conflicting classifications of pathogenicity. Review status: criteria provided, conflicting classifications (1 of 4 stars). 14 submissions from 14 submitters: Uncertain significance (1); Benign (9); Likely benign (3). 1 of the submissions does not count toward it. Last evaluated 2026-02-02.

Conditions:
APC-related disorder. Also called: APC-related condition.
Classic or attenuated familial adenomatous polyposis. Identifiers: MedGen CN372698, MONDO:0021057.
Hereditary cancer-predisposing syndrome. Also called: Hereditary Cancer Syndrome; Tumor predisposition; Neoplastic Syndromes, Hereditary; Hereditary neoplastic syndrome. Identifiers: Orphanet 140162, MedGen C0027672, MeSH D009386, MONDO:0015356.
Familial adenomatous polyposis 1 (FAP1). Also called: POLYPOSIS, ADENOMATOUS INTESTINAL; FAMILIAL ADENOMATOUS POLYPOSIS 1, ATTENUATED. Identifiers: MedGen C2713442, MONDO:0021056, OMIM 175100. Disease mechanism: loss of function.
Carcinoma of colon (CRC). Also called: Colonic carcinoma; Colon carcinoma. Identifiers: MedGen C0699790, MONDO:0002032.

Allele frequency attached by ClinVar (database versions not stated): gnomAD exomes 0.00004 and 0.00016; gnomAD 0.00006 and 0.00009; TOPMed 0.00008; ExAC 0.00012; 1000 Genomes Project 30x 0.00047; 1000 Genomes Project 0.00060.
gnomAD v4.1: 79 of 1,614,098 alleles (0.0049%); highest among the groups gnomAD compares: East Asian, 0.14%; no homozygotes.

Submissions (14):

Labcorp Genetics (formerly Invitae), Labcorp
Classification: Benign for Familial adenomatous polyposis 1. Last evaluated: 2026-02-02. Review status: criteria provided, single submitter. Criteria: Invitae Variant Classification Sherloc (09022015). Collection method: clinical testing. Allele origin: germline.

PreventionGenetics, part of Exact Sciences
Classification: Likely benign for APC-related condition. Last evaluated: 2026-01-09. Review status: criteria provided, single submitter. Criteria: ACMG Guidelines, 2015. Collection method: clinical testing. Allele origin: germline.
Comment: This variant is classified as likely benign based on ACMG/AMP sequence variant interpretation guidelines (Richards et al. 2015 PMID: 25741868, with internal and published modifications).

Center for Genomic Medicine, Rigshospitalet, Copenhagen University Hospital
Classification: Benign. Last evaluated: 2025-03-04. Review status: criteria provided, single submitter. Criteria: ACMG Guidelines, 2015. Collection method: clinical testing. Allele origin: germline.

Quest Diagnostics Nichols Institute San Juan Capistrano
Classification: Benign. Last evaluated: 2024-12-18. Review status: criteria provided, single submitter. Criteria: Quest Diagnostics criteria. Collection method: clinical testing. Allele origin: unknown.

Myriad Genetics, Inc.
Classification: Benign for Familial adenomatous polyposis 1. Last evaluated: 2024-02-29. Review status: criteria provided, single submitter. Criteria: Myriad Autosomal Dominant, Autosomal Recessive and X-Linked Classification Criteria (2023). Collection method: clinical testing. Allele origin: unknown.
Comment: This variant is considered benign. This variant is a silent/synonymous amino acid change and it is not expected to impact splicing.

All of Us Research Program, National Institutes of Health
Classification: Benign for Classic or attenuated familial adenomatous polyposis. Last evaluated: 2024-01-11. Review status: criteria provided, single submitter. Criteria: ACMG Guidelines, 2015. Collection method: clinical testing. Allele origin: germline. Inheritance: Autosomal dominant inheritance. Observed: 16 variant alleles, 16 heterozygotes.
Comment: This study involves interpretation of variants in research participants for the purpose of population health screening. Participant phenotype was not available at the time of variant classification. Additional details can be found in publication PMID: 35346344, PMCID: PMC8962531

Blueprint Genetics
Classification: Likely benign. Last evaluated: 2023-09-19. Review status: criteria provided, single submitter. Criteria: ACMG Guidelines, 2015. Collection method: clinical testing. Allele origin: germline.

Sema4
Classification: Benign for Hereditary cancer-predisposing syndrome. Last evaluated: 2021-02-10. Review status: criteria provided, single submitter. Criteria: Sema4 Curation Guidelines. Collection method: curation. Allele origin: germline.

Women's Health and Genetics/Laboratory Corporation of America, LabCorp
Classification: Benign. Last evaluated: 2017-12-11. Review status: criteria provided, single submitter. Criteria: LabCorp Variant Classification Summary - May 2015. Collection method: clinical testing. Allele origin: germline.
Comment: Variant summary: The APC c.1005A>G (p.Leu335Leu) variant involves the alteration of a non-conserved nucleotide, resulting in a synonymous change. One in silico tool predicts a damaging outcome for this variant. 4/5 splice prediction tools predict no significant impact on normal splicing. ESE finder predicts the creation of SRp40 binding site. However, these predictions have yet to be confirmed by functional studies. This variant was found in 41/276982 control chromosomes, predominantly observed in the East Asian subpopulation at a frequency of 0.001962 (37/18854). This frequency is about 27 times the estimated maximal expected allele frequency of a pathogenic APC variant (0.0000714), suggesting this is likely a benign polymorphism found primarily in the populations of East Asian origin. This variant was reported in one breast patient but also in controls (Chang_2016) and also as a somatic occurrence (Chang_2016). In addition, multiple clinical diagnostic laboratories/reputable databases classified this variant as likely benign/benign. Taken together, this variant is classified as benign.

Color Diagnostics, LLC DBA Color Health
Classification: Benign for Hereditary cancer-predisposing syndrome. Last evaluated: 2016-03-17. Review status: criteria provided, single submitter. Criteria: ACMG Guidelines, 2015. Collection method: clinical testing. Allele origin: germline.

Ambry Genetics
Classification: Likely benign for Hereditary cancer-predisposing syndrome. Last evaluated: 2015-11-24. Review status: criteria provided, single submitter. Criteria: Ambry Variant Classification Scheme 2023. Collection method: clinical testing. Allele origin: germline.

GeneDx
Classification: Benign. Last evaluated: 2015-07-21. Review status: criteria provided, single submitter. Criteria: GeneDx Variant Classification (06012015). Collection method: clinical testing. Allele origin: germline. Affected: yes.
Comment: This variant is considered likely benign or benign based on one or more of the following criteria: it is a conservative change, it occurs at a poorly conserved position in the protein, it is predicted to be benign by multiple in silico algorithms, and/or has population frequency not consistent with disease.

Eurofins Ntd Llc (ga)
Classification: Uncertain significance. Last evaluated: 2013-04-19. Review status: criteria provided, single submitter. Criteria: EGL Classification Definitions 2015. Collection method: clinical testing. Allele origin: germline. Observed: 1 variant allele, 1 heterozygote.

Department of Pathology and Laboratory Medicine, Sinai Health System
Classification: Likely benign for Carcinoma of colon. Review status: no assertion criteria provided. Collection method: clinical testing. Allele origin: unknown. Affected: yes. Study: The Canadian Open Genetics Repository (COGR). Not counted in ClinVar's aggregate classification.
Comment: The APC p.Leu335Leu variant was identified in 3 of 384 proband chromosomes (frequency: 0.0078125) from Taiwense individuals or families with CRC or breast cancer (Chang YC 2016, Chang YS 2016). There was found to be no observed association between breast cancer risk and the variant (Chang YS 2016). The variant was also identified in dbSNP (ID: rs3797704) â€šÃ„ÃºWith Likely benign,other alleleâ€šÃ„Ã¹, ClinVar (with conflicting interpretations of pathogenicity; submitters: benign by Invitae and GeneDx, likely benign by Ambry Genetics and Department of Pathology and Laboratory Medicine (Sinai Health System), and uncertain significance by EGL Genetic Diagnostics (Eurofins Clinical Diagnostics)), Clinvitae (4x), Cosmic (2x in carcinomas of the large intestine), and Zhejiang Colon Cancer Database (1x), but was not identified in Genesight-COGR. The variant was identified in control databases in 40 of 276782 chromosomes at a frequency of 0.0001 increasing the likelihood that this may be a low frequency benign variant in certain populations of origin (Genome Aggregation Consortium Feb 27, 2017), being identified in the following populations: European Non-Finnish in 1 of 126350 chromosomes (frequency: 0.000008), East Asian in 37 of 1854 chromosomes (frequency: 0.002), and European Finnish in 2 of 25792 chromosomes (frequency: 0.00008). The p.Leu335= variant is not expected to have clinical significance because it does not result in a change of amino acid and is not located in a known consensus splice site. In summary, based on the above information the clinical significance of this variant cannot be determined with certainty at this time although we would lean towards a more benign role for this variant. This variant is classified as likely benign.

Literature cited by the submitters: PubMed 26900293 (cited by Quest Diagnostics Nichols Institute San Juan Capistrano and Women's Health and Genetics/Laboratory Corporation of America, LabCorp); PubMed 27028212 (cited by Quest Diagnostics Nichols Institute San Juan Capistrano and Women's Health and Genetics/Laboratory Corporation of America, LabCorp); PubMed 26447891 (cited by Quest Diagnostics Nichols Institute San Juan Capistrano and Women's Health and Genetics/Laboratory Corporation of America, LabCorp).